The following is an entry in ClinVar:

NM_024685.4(BBS10):c.135G>C (p.Val45=)

Gene: BBS10 (Bardet-Biedl syndrome 10; minus strand). Cytogenetic location: 12q21.2.
Variant type: single nucleotide variant.
Coding change: c.135G>C on transcript NM_024685.4 (MANE Select); coding-DNA position 135, G replaced by C.
Protein change: p.Val45=; no amino-acid change (valine 45 retained).
Molecular consequence: synonymous variant.
Genome position (GRCh38, 1-based): chr12:76,348,224, C>G on the plus strand (G>C on the coding strand, the complement: BBS10 is on the minus strand). VCF-style: chr12-76348224-C-G. GRCh37 (hg19) VCF-style: chr12-76742004-C-G.
Other names: c.135G>C (NM_024685.3).
Identifiers: ClinVar variation 2954921 (VCV002954921.4), dbSNP rs1332001541, ClinGen allele CA480794229.

ClinVar aggregate classification (germline): Likely benign. Review status: criteria provided, multiple submitters, no conflicts (2 of 4 stars). 2 submissions from 2 submitters: Likely benign (2). Last evaluated 2025-01-25.

Conditions:
Bardet-Biedl syndrome (BBS). Identifiers: Orphanet 110, MedGen C0752166, MONDO:0015229.
BBS10-related disorder. Also called: BBS10-related condition.

Allele frequency attached by ClinVar (database versions not stated): gnomAD 0.00001; TOPMed 0.00001.
gnomAD v4.1: 3 of 1,613,708 alleles (0.00019%); highest among the groups gnomAD compares: Non-Finnish European, 0.00025%; no homozygotes.

Submissions (2):

PreventionGenetics, part of Exact Sciences
Classification: Likely benign for BBS10-related condition. Last evaluated: 2025-01-25. Review status: criteria provided, single submitter. Criteria: ACMG Guidelines, 2015. Collection method: clinical testing. Allele origin: germline.
Comment: This variant is classified as likely benign based on ACMG/AMP sequence variant interpretation guidelines (Richards et al. 2015 PMID: 25741868, with internal and published modifications).

Labcorp Genetics (formerly Invitae), Labcorp
Classification: Likely benign for Bardet-Biedl syndrome. Last evaluated: 2023-06-04. Review status: criteria provided, single submitter. Criteria: Invitae Variant Classification Sherloc (09022015). Collection method: clinical testing. Allele origin: germline.